The following is an entry in ClinVar:

NC_000023.10:g.(?_153577207)_(153599623_?)dup

Gene: FLNA (filamin A; minus strand). Cytogenetic location: Xq28.
Variant type: Duplication.
Identifiers: ClinVar variation 642059 (VCV000642059.1).

ClinVar aggregate classification (germline): Uncertain significance (1 of 4 stars; one submission).

Conditions:
Heterotopia, periventricular, X-linked dominant (PVNH1). Also called: PERIVENTRICULAR NODULAR HETEROTOPIA 4; HETEROTOPIA, PERIVENTRICULAR, 1; PERIVENTRICULAR NODULAR HETEROTOPIA 1; X-linked periventricular heterotopia. Identifiers: Orphanet 2149, Orphanet 82004, MedGen C1848213, MONDO:0010233, OMIM 300049.
Oto-palato-digital syndrome, type II (OPD2). Also called: Otopalatodigital Syndrome, Type II; FACIOPALATOOSSEOUS SYNDROME; OPD II SYNDROME; Otopalatodigital Syndrome Type 2 (FLNA-OPD2). Identifiers: Orphanet 669, Orphanet 90652, MedGen C1844696, MONDO:0010571, OMIM 304120.
Frontometaphyseal dysplasia 1 (FMD1). Also called: Frontometaphyseal Dysplasia (FLNA-FMD). Identifiers: Orphanet 1826, MedGen C4281559, MONDO:0024550, OMIM 305620.
Melnick-Needles syndrome (MNS). Also called: MELNICK-NEEDLES OSTEODYSPLASTY; OSTEODYSPLASTY OF MELNICK AND NEEDLES; Melnick-Needles Syndrome (FLNA-MNS). Identifiers: Orphanet 2484, MedGen C0025237, MONDO:0010650, OMIM 309350.

Submission:

Labcorp Genetics (formerly Invitae), Labcorp
Classification: Uncertain significance for Oto-palato-digital syndrome, type II; Periventricular nodular heterotopia 1; Frontometaphyseal dysplasia; Melnick-Needles syndrome. Last evaluated: 2018-12-28. Review status: criteria provided, single submitter. Criteria: Invitae Variant Classification Sherloc (09022015). Collection method: clinical testing. Allele origin: germline.
Comment: This variant results in a copy number gain of the genomic region encompassing the full coding sequence of the FLNA gene. The boundaries of this event are unknown as they extend beyond the assayed region for this gene and therefore may encompass additional genes. As the precise location of this event is unknown, it may be in tandem or it may be located elsewhere in the genome. This variant has not been reported in the literature in individuals with FLNA-related disease. In summary, the available evidence is currently insufficient to determine the role of this variant in disease. Therefore, it has been classified as a Variant of Uncertain Significance.